The following is an entry in ClinVar:

ClinVar aggregate classification (germline): Benign/Likely benign. Review status: criteria provided, multiple submitters, no conflicts (2 of 4 stars). 7 submissions from 7 submitters: Benign (1); Likely benign (4). 2 of the submissions do not count toward it. Last evaluated 2025-10-02.

Conditions:
Cataract 18 (CATC2). Also called: CATARACT 18, AUTOSOMAL RECESSIVE. Identifiers: Orphanet 91492, Orphanet 98991, Orphanet 98992, Orphanet 98995, MedGen C1864908, MONDO:0012395, OMIM 610019.

Allele frequency attached by ClinVar (database versions not stated): gnomAD exomes 0.00112 and 0.00163; 1000 Genomes Project 0.00120; 1000 Genomes Project 30x 0.00125; gnomAD 0.00126 and 0.00127; ESP Exome Variant Server 0.00131; ExAC 0.00156; TOPMed 0.00186.
gnomAD v4.1: 1,942 of 1,611,252 alleles (0.12%); highest among the groups gnomAD compares: Middle Eastern, 0.86%; 4 homozygotes.

Submissions (7):

Labcorp Genetics (formerly Invitae), Labcorp
Classification: Likely benign for Cataract 18. Last evaluated: 2025-10-02. Review status: criteria provided, single submitter. Criteria: Invitae Variant Classification Sherloc (09022015). Collection method: clinical testing. Allele origin: germline.

Blueprint Genetics
Classification: Likely benign. Last evaluated: 2024-11-26. Review status: criteria provided, single submitter. Criteria: ACMG Guidelines, 2015. Collection method: clinical testing. Allele origin: germline.

GeneDx
Classification: Benign. Last evaluated: 2020-08-18. Review status: criteria provided, single submitter. Criteria: GeneDx Variant Classification Process June 2021. Collection method: clinical testing. Allele origin: germline. Affected: yes.

Illumina Laboratory Services, Illumina
Classification: Likely benign for Cataract 18. Last evaluated: 2018-01-12. Review status: criteria provided, single submitter. Criteria: ICSL Variant Classification Criteria 13 December 2019. Collection method: clinical testing. Allele origin: germline.
Comment: This variant was observed in the ICSL laboratory as part of a predisposition screen in an ostensibly healthy population. It had not been previously curated by ICSL or reported in the Human Gene Mutation Database (HGMD: prior to June 1st, 2018), and was therefore a candidate for classification through an automated scoring system. Utilizing variant allele frequency, disease prevalence and penetrance estimates, and inheritance mode, an automated score was calculated to assess if this variant is too frequent to cause the disease. Based on the score and internal cut-off values, a variant classified as likely benign is not then subjected to further curation. The score for this variant resulted in a classification of likely benign for this disease.

Breakthrough Genomics
Classification: Likely benign. Review status: criteria provided, single submitter. Criteria: ACMG Guidelines, 2015. Collection method: not provided. Allele origin: germline. Inheritance: Autosomal recessive inheritance. Affected: yes.

Clinical Genetics DNA and cytogenetics Diagnostics Lab, Erasmus MC, Erasmus Medical Center
Classification: Benign. Review status: no assertion criteria provided. Collection method: clinical testing. Allele origin: germline. Affected: yes. Study: VKGL Data-share Consensus. Not counted in ClinVar's aggregate classification.

Laboratory of Diagnostic Genome Analysis, Leiden University Medical Center (LUMC)
Classification: Likely benign. Review status: no assertion criteria provided. Collection method: clinical testing. Allele origin: germline. Affected: yes. Study: VKGL Data-share Consensus. Not counted in ClinVar's aggregate classification.

NM_024513.4(FYCO1):c.2006G>A (p.Ser669Asn)

Gene: FYCO1 (FYVE and coiled-coil domain autophagy adaptor 1; minus strand). Cytogenetic location: 3p21.31.
Variant type: single nucleotide variant.
Coding change: c.2006G>A on transcript NM_024513.4 (MANE Select); coding-DNA position 2006, G replaced by A.
Protein change: p.Ser669Asn; replaces serine 669 with asparagine.
Molecular consequence: missense variant.
Genome position (GRCh38, 1-based): chr3:45,967,328, C>T on the plus strand (G>A on the coding strand, the complement: FYCO1 is on the minus strand). VCF-style: chr3-45967328-C-T. GRCh37 (hg19) VCF-style: chr3-46008820-C-T.
Other names: short protein forms S669N.
Identifiers: ClinVar variation 345515 (VCV000345515.20), dbSNP rs141155944, ClinGen allele CA2353130.
Genomic context (GRCh38, chr3:45,967,328, plus strand): 5'-TCCTTGGCCTTCCTTACAGCCAGCAAGCTCGCCTCCATCTGGTCACCCAAGTGCCGGATG[C>T]TGGCCTGCTCGGCCTCCAGGGAGGCCAAGGAGCCCTGGATGGCTGATTCCCGCTGCTGCA-3'
Protein context (NP_078789.2, residues 659-679): SLASLEAEQA[Ser669Asn]IRHLGDQMEA